The following is an entry in ClinVar:

NM_000543.5(SMPD1):c.253G>T (p.Gly85Trp)

Gene: SMPD1 (sphingomyelin phosphodiesterase 1; plus strand). Cytogenetic location: 11p15.4.
Variant type: single nucleotide variant.
Coding change: c.253G>T on transcript NM_000543.5 (MANE Select); coding-DNA position 253, G replaced by T.
Protein change: p.Gly85Trp; replaces glycine 85 with tryptophan.
Molecular consequence: missense variant. On other transcripts: 5 prime UTR variant (1), non-coding transcript variant (2).
Genome position (GRCh38, 1-based): chr11:6,390,851, G>T. VCF-style: chr11-6390851-G-T. GRCh37 (hg19) VCF-style: chr11-6412081-G-T.
Other names: c.253G>T, p.Gly85Trp (NM_001007593.3, NM_001318087.2, NM_001365135.2); c.-709G>T (NM_001318088.2); short protein forms G85W.
Identifiers: ClinVar variation 4984863 (VCV004984863.1).
Genomic context (GRCh38, chr11:6,390,851, plus strand): 5'-TCTCCCCAAGGCCATCCTGCCAGGTTACATCGCATAGTGCCCCGGCTCCGAGATGTCTTT[G>T]GGTGGGGGAACCTCACCTGCCCAATCTGCAAAGGTCTATTCACCGCCATCAACCTCGGGC-3'
Protein context (NP_000534.3, residues 75-95): RIVPRLRDVF[Gly85Trp]WGNLTCPICK

ClinVar aggregate classification (germline): Uncertain significance (1 of 4 stars; one submission).

Conditions:
SMPD1-related disorder. Also called: SMPD1-related condition.

Submission:

PreventionGenetics, part of Exact Sciences
Classification: Uncertain significance for SMPD1-related condition. Last evaluated: 2026-02-19. Review status: criteria provided, single submitter. Criteria: ACMG Guidelines, 2015. Collection method: clinical testing. Allele origin: germline.
Comment: The SMPD1 c.253G>T variant is predicted to result in the amino acid substitution p.Gly85Trp. To our knowledge, this variant has not been reported in the literature. This variant is reported in 0.013% of alleles in individuals of South Asian descent in gnomAD. At this time, the clinical significance of this variant is uncertain due to the absence of conclusive functional and genetic evidence.